The following is an entry in ClinVar:

NM_000152.5(GAA):c.2040+66C>T

Gene: GAA (alpha glucosidase; plus strand). Cytogenetic location: 17q25.3.
Variant type: single nucleotide variant.
Coding change: c.2040+66C>T on transcript NM_000152.5 (MANE Select); 66 bases into the intron after coding-DNA position 2040, C replaced by T.
Molecular consequence: intron variant.
Genome position (GRCh38, 1-based): chr17:80,113,093, C>T. VCF-style: chr17-80113093-C-T. GRCh37 (hg19) VCF-style: chr17-78086892-C-T.
Other names: c.2040+66C>T (NM_001079803.3, NM_001079804.3).
Identifiers: ClinVar variation 1172943 (VCV001172943.5), dbSNP rs2304835, ClinGen allele CA14455037.

ClinVar aggregate classification (germline): Benign. Review status: criteria provided, multiple submitters, no conflicts (2 of 4 stars). 3 submissions from 3 submitters: Benign (3). Last evaluated 2026-07-01.

Conditions:
Glycogen storage disease, type II (IOPD). Also called: CARDIOMEGALIA GLYCOGENICA DIFFUSA; GLYCOGENOSIS, GENERALIZED, CARDIAC FORM; GSD II; Glycogen storage disease type 2; Acid maltase deficiency disease; Aglucosidase alfa. Identifiers: Orphanet 365, MedGen C0017921, MONDO:0009290, OMIM 232300.

Allele frequency attached by ClinVar (database versions not stated): gnomAD 0.06337 and 0.06422; TOPMed 0.06382; 1000 Genomes Project 0.06390; 1000 Genomes Project 30x 0.06465.
gnomAD v4.1: 101,651 of 1,432,450 alleles (7.1%); highest among the groups gnomAD compares: African/African-American, 7.5%; 3,490 homozygotes.

Submissions (3):

Genomenon, Inc
Classification: Benign for Glycogen storage disease, type II. Last evaluated: 2026-07-01. Review status: criteria provided, single submitter. Criteria: Genomenon Sequence Variant Interpretation Standards - Updated. Collection method: curation. Allele origin: germline. Affected: no.
Comment: GAA c.2040+66C>T is an intronic variant located in intron 14. This variant is present at high allele frequency in population databases. We classify GAA c.2040+66C>T as a benign variant.

Genome-Nilou Lab
Classification: Benign for Glycogen storage disease, type II. Last evaluated: 2021-06-10. Review status: criteria provided, single submitter. Criteria: ACMG Guidelines, 2015. Collection method: clinical testing. Allele origin: germline. Affected: no.

Breakthrough Genomics
Classification: Benign. Review status: criteria provided, single submitter. Criteria: ACMG Guidelines, 2015. Collection method: not provided. Allele origin: germline. Inheritance: Autosomal recessive inheritance. Affected: yes.